The following is an entry in ClinVar:

NM_139058.3(ARX):c.1129del (p.Gln377fs)

Gene: ARX (aristaless related homeobox; minus strand). Cytogenetic location: Xp21.3.
Variant type: Deletion.
Coding change: c.1129del on transcript NM_139058.3 (MANE Select); coding-DNA position 1129, one base deleted (C; older notation c.1129delC).
Protein change: p.Gln377fs; shifts the reading frame from glutamine 377.
Molecular consequence: frameshift variant.
Genome position (GRCh38, 1-based): chrX:25,007,430, G deleted on the plus strand (C on the coding strand, the reverse complement: ARX is on the minus strand); the first of 2 consecutive G bases (chrX:25,007,430-25,007,431); deleting either gives the same sequence. VCF-style (leftmost placement, unchanged base first): chrX-25007429-TG-T. GRCh37 (hg19) VCF-style: chrX-25025546-TG-T.
Other names: short protein forms Q377fs.
Identifiers: ClinVar variation 817843 (VCV000817843.1), dbSNP rs1601946658, ClinGen allele CA915950805.

ClinVar aggregate classification (germline): Pathogenic (1 of 4 stars; one submission).

Submission:

GeneDx
Classification: Pathogenic. Last evaluated: 2019-01-17. Review status: criteria provided, single submitter. Criteria: GeneDx Variant Classification (06012015). Collection method: clinical testing. Allele origin: germline. Affected: yes.
Comment: The c.1129delC variant in the ARX gene has not been reported previously as a pathogenic variant nor as a benign variant, to our knowledge. The c.1129delC variant causes a frameshift starting with codon Glutamine 377, changes this amino acid to an Arginine residue, and creates a premature Stop codon at position 86 of the new reading frame, denoted p.Gln377ArgfsX86. This variant is predicted to cause loss of normal protein function either through protein truncation or nonsense-mediated mRNA decay. The c.1129delC variant is not observed in large population cohorts (Lek et al., 2016). We interpret c.1129delC as a pathogenic variant.